The following is an entry in ClinVar:

NM_024503.5(HIVEP3):c.2082G>A (p.Pro694=)

Gene: HIVEP3 (HIVEP zinc finger 3; minus strand). Cytogenetic location: 1p34.2.
Variant type: single nucleotide variant.
Coding change: c.2082G>A on transcript NM_024503.5 (MANE Select); coding-DNA position 2082, G replaced by A.
Protein change: p.Pro694=; no amino-acid change (proline 694 retained).
Molecular consequence: synonymous variant.
Genome position (GRCh38, 1-based): chr1:41,582,716, C>T on the plus strand (G>A on the coding strand, the complement: HIVEP3 is on the minus strand). VCF-style: chr1-41582716-C-T. GRCh37 (hg19) VCF-style: chr1-42048387-C-T.
Other names: c.2082G>A, p.Pro694= (NM_001127714.3).
Identifiers: ClinVar variation 3035628 (VCV003035628.2), dbSNP rs36086247, ClinGen allele CA798098.
Genomic context (GRCh38, chr1:41,582,716, plus strand): 5'-CTTCCTCAGTGGAGTGAGTTCCAGGGTGGTTCCCAGTTTGTAATGCATCATTTGGGACCA[C>T]GGCTCATGCTCAATCTGACTCTTTTCAGCTTCTGGAGATGTGTGGGTGCCTGCAGAGATG-3'
Protein context (NP_078779.2, residues 684-704): EAEKSQIEHE[Pro694=]WSQMMHYKLG

ClinVar aggregate classification (germline): Likely benign (0 of 4 stars; one submission).

Conditions:
HIVEP3-related disorder. Also called: HIVEP3-related condition.

Allele frequency attached by ClinVar (database versions not stated): 1000 Genomes Project 0.00040; ExAC 0.00046; 1000 Genomes Project 30x 0.00047; gnomAD 0.00129; TOPMed 0.00148; ESP Exome Variant Server 0.00192.
gnomAD v4.1: 408 of 1,614,152 alleles (0.025%); highest among the groups gnomAD compares: African/African-American, 0.45%; 1 homozygote.

Submission:

PreventionGenetics, part of Exact Sciences
Classification: Likely benign for HIVEP3-related condition. Last evaluated: 2019-08-09. Review status: no assertion criteria provided. Collection method: clinical testing. Allele origin: germline.
Comment: This variant is classified as likely benign based on ACMG/AMP sequence variant interpretation guidelines (Richards et al. 2015 PMID: 25741868, with internal and published modifications).